The following is an entry in ClinVar:

NM_001379500.1(COL18A1):c.1531A>T (p.Asn511Tyr)

Gene: COL18A1 (collagen type XVIII alpha 1 chain; plus strand). Cytogenetic location: 21q22.3.
Variant type: single nucleotide variant.
Coding change: c.1531A>T on transcript NM_001379500.1 (MANE Select); coding-DNA position 1531, A replaced by T.
Protein change: p.Asn511Tyr; replaces asparagine 511 with tyrosine.
Molecular consequence: missense variant.
Genome position (GRCh38, 1-based): chr21:45,480,778, A>T. VCF-style: chr21-45480778-A-T. GRCh37 (hg19) VCF-style: chr21-46900692-A-T.
Other names: c.2071A>T, p.Asn691Tyr (NM_030582.4); c.2776A>T, p.Asn926Tyr (NM_130444.3); short protein forms N926Y, N511Y, N691Y.
Identifiers: ClinVar variation 2086863 (VCV002086863.1), dbSNP rs763660297, ClinGen allele CA410517786.

ClinVar aggregate classification (germline): Uncertain significance (1 of 4 stars; one submission).

Submission:

Labcorp Genetics (formerly Invitae), Labcorp
Classification: Uncertain significance. Last evaluated: 2022-01-17. Review status: criteria provided, single submitter. Criteria: Invitae Variant Classification Sherloc (09022015). Collection method: clinical testing. Allele origin: germline.
Comment: This sequence change replaces asparagine, which is neutral and polar, with tyrosine, which is neutral and polar, at codon 511 of the COL18A1 protein (p.Asn511Tyr). This variant is not present in population databases (gnomAD no frequency). This variant has not been reported in the literature in individuals affected with COL18A1-related conditions. Experimental studies and prediction algorithms are not available or were not evaluated, and the functional significance of this variant is currently unknown. In summary, the available evidence is currently insufficient to determine the role of this variant in disease. Therefore, it has been classified as a Variant of Uncertain Significance.